The following is an entry in ClinVar:

NM_021922.3(FANCE):c.746C>T (p.Ser249Phe)

Gene: FANCE (FA complementation group E; plus strand). Cytogenetic location: 6p21.31.
Variant type: single nucleotide variant.
Coding change: c.746C>T on transcript NM_021922.3 (MANE Select); coding-DNA position 746, C replaced by T.
Protein change: p.Ser249Phe; replaces serine 249 with phenylalanine.
Molecular consequence: missense variant.
Genome position (GRCh38, 1-based): chr6:35,456,244, C>T. VCF-style: chr6-35456244-C-T. GRCh37 (hg19) VCF-style: chr6-35424021-C-T.
Other names: short protein forms S249F.
Identifiers: ClinVar variation 582046 (VCV000582046.9), dbSNP rs1036490024, ClinGen allele CA137295084.

ClinVar aggregate classification (germline): Uncertain significance. Review status: criteria provided, multiple submitters, no conflicts (2 of 4 stars). 2 submissions from 2 submitters: Uncertain significance (2). Last evaluated 2024-04-22.

Conditions:
Fanconi anemia complementation group E (FANCE). Also called: FANCE-Related Fanconi Anemia. Identifiers: Orphanet 84, MedGen C3160739, MONDO:0010953, OMIM 600901.

Allele frequency attached by ClinVar (database versions not stated): gnomAD exomes below 0.00001; gnomAD 0.00001; TOPMed 0.00002.
gnomAD v4.1: 5 of 1,614,082 alleles (0.00031%); highest among the groups gnomAD compares: Non-Finnish European, 0.00042%; no homozygotes.

Submissions (2):

Fulgent Genetics
Classification: Uncertain significance for Fanconi anemia complementation group E. Last evaluated: 2024-04-22. Review status: criteria provided, single submitter. Criteria: ACMG Guidelines, 2015. Collection method: clinical testing. Allele origin: germline.

Labcorp Genetics (formerly Invitae), Labcorp
Classification: Uncertain significance for Fanconi anemia complementation group E. Last evaluated: 2024-03-19. Review status: criteria provided, single submitter. Criteria: Invitae Variant Classification Sherloc (09022015). Collection method: clinical testing. Allele origin: germline.
Comment: This sequence change replaces serine, which is neutral and polar, with phenylalanine, which is neutral and non-polar, at codon 249 of the FANCE protein (p.Ser249Phe). This variant is present in population databases (no rsID available, gnomAD 0.0009%). This variant has not been reported in the literature in individuals affected with FANCE-related conditions. ClinVar contains an entry for this variant (Variation ID: 582046). Advanced modeling of protein sequence and biophysical properties (such as structural, functional, and spatial information, amino acid conservation, physicochemical variation, residue mobility, and thermodynamic stability) performed at Invitae indicates that this missense variant is expected to disrupt FANCE protein function with a positive predictive value of 80%. In summary, the available evidence is currently insufficient to determine the role of this variant in disease. Therefore, it has been classified as a Variant of Uncertain Significance.